The following is an entry in ClinVar:

ClinVar aggregate classification (germline): Benign. Review status: criteria provided, multiple submitters, no conflicts (2 of 4 stars). 3 submissions from 3 submitters: Benign (3). Last evaluated 2026-01-01.

Allele frequency attached by ClinVar (database versions not stated): gnomAD exomes 0.00009 and 0.00017; ExAC 0.00027; gnomAD 0.00070 and 0.00074; ESP Exome Variant Server 0.00077; TOPMed 0.00093; 1000 Genomes Project 30x 0.00125; 1000 Genomes Project 0.00140.
gnomAD v4.1: 244 of 1,606,132 alleles (0.015%); highest among the groups gnomAD compares: African/African-American, 0.26%; no homozygotes.

Submissions (3):

CeGaT Center for Human Genetics Tuebingen
Classification: Benign. Last evaluated: 2026-01-01. Review status: criteria provided, single submitter. Criteria: CeGaT Center For Human Genetics Tuebingen Variant Classification Criteria Version 2. Collection method: clinical testing. Allele origin: germline. Affected: yes. Observed: 1 variant allele.
Comment: EEF2: BS1, BS2

Labcorp Genetics (formerly Invitae), Labcorp
Classification: Benign. Last evaluated: 2025-12-17. Review status: criteria provided, single submitter. Criteria: Invitae Variant Classification Sherloc (09022015). Collection method: clinical testing. Allele origin: germline.

Athena Diagnostics
Classification: Benign. Last evaluated: 2021-04-13. Review status: criteria provided, single submitter. Criteria: Athena Diagnostics criteria. Collection method: clinical testing. Allele origin: unknown.

NM_001961.4(EEF2):c.2430C>T (p.Pro810=)

Gene: EEF2 (eukaryotic translation elongation factor 2; minus strand). Cytogenetic location: 19p13.3.
Variant type: single nucleotide variant.
Coding change: c.2430C>T on transcript NM_001961.4 (MANE Select); coding-DNA position 2430, C replaced by T.
Protein change: p.Pro810=; no amino-acid change (proline 810 retained).
Molecular consequence: synonymous variant.
Genome position (GRCh38, 1-based): chr19:3,976,701, G>A on the plus strand (C>T on the coding strand, the complement: EEF2 is on the minus strand). VCF-style: chr19-3976701-G-A. GRCh37 (hg19) VCF-style: chr19-3976699-G-A.
Identifiers: ClinVar variation 1256089 (VCV001256089.10), dbSNP rs147647933, ClinGen allele CA9088520.